The following is an entry in ClinVar:

ClinVar aggregate classification (germline): Pathogenic/Likely pathogenic. Review status: criteria provided, multiple submitters, no conflicts (2 of 4 stars). 4 submissions from 4 submitters: Pathogenic (1); Likely pathogenic (3). Last evaluated 2025-11-04.

Conditions:
Cholestanol storage disease (CTX). Also called: CTX: Cerebrotendinous xanthomatosis; Cerebrotendinous Xanthomatosis; CEREBRAL CHOLESTERINOSIS. Identifiers: Orphanet 909, MedGen C0238052, MONDO:0008948, OMIM 213700.

Submissions (4):

Natera, Inc.
Classification: Likely pathogenic for Cerebrotendinous xanthomatosis. Last evaluated: 2025-11-04. Review status: criteria provided, single submitter. Criteria: Natera Variant Classification Schema (03/2026). Collection method: clinical testing. Allele origin: germline.
Comment: The c.586_587delAG variant in CYP27A1 is a frameshift variant predicted to shift the reading frame beginning at codon 196 and leads to a stop codon 91 codons downstream. This variant is expected to result in nonsense mediated decay, truncation, or a dysfunctional protein product. This variant is rare in the general population with a frequency below the threshold expected for the associated phenotype(s). Given the available evidence, this variant is classified as Likely Pathogenic.

Labcorp Genetics (formerly Invitae), Labcorp
Classification: Pathogenic for Cholestanol storage disease. Last evaluated: 2025-04-30. Review status: criteria provided, single submitter. Criteria: Invitae Variant Classification Sherloc (09022015). Collection method: clinical testing. Allele origin: germline.
Comment: This sequence change creates a premature translational stop signal (p.Ser196Cysfs*91) in the CYP27A1 gene. It is expected to result in an absent or disrupted protein product. Loss-of-function variants in CYP27A1 are known to be pathogenic (PMID: 9392430, 10775536, 26937392). This variant is present in population databases (rs758739930, gnomAD 0.002%). This variant has not been reported in the literature in individuals affected with CYP27A1-related conditions. ClinVar contains an entry for this variant (Variation ID: 632347). For these reasons, this variant has been classified as Pathogenic.

Baylor Genetics
Classification: Likely pathogenic for Cholestanol storage disease. Last evaluated: 2024-03-06. Review status: criteria provided, single submitter. Criteria: ACMG Guidelines, 2015. Collection method: clinical testing. Allele origin: unknown.

Women's Health and Genetics/Laboratory Corporation of America, LabCorp
Classification: Likely pathogenic for Cholestanol storage disease. Last evaluated: 2022-07-15. Review status: criteria provided, single submitter. Criteria: LabCorp Variant Classification Summary - May 2015. Collection method: clinical testing. Allele origin: germline.
Comment: Variant summary: CYP27A1 c.586_587delAG (p.Ser196CysfsX91) results in a premature termination codon, predicted to cause a truncation of the encoded protein or absence of the protein due to nonsense mediated decay, which are commonly known mechanisms for disease. Truncations downstream of this position have been reported in Cerebrotendinous xanthomatosis in HGMD. The variant allele was found at a frequency of 8e-06 in 251476 control chromosomes. To our knowledge, no occurrence of c.586_587delAG in individuals affected with Cerebrotendinous Xanthomatosis and no experimental evidence demonstrating its impact on protein function have been reported. Two clinical diagnostic laboratories have submitted clinical-significance assessments for this variant to ClinVar after 2014 without evidence for independent evaluation. One laboratory classified the variant as pathogenic, and one laboratory classified the variant as uncertain significance. Based on the evidence outlined above, the variant was classified as likely pathogenic.

Literature cited by the submitters: PubMed 9392430 (cited by Labcorp Genetics (formerly Invitae), Labcorp); PubMed 10775536 (cited by Labcorp Genetics (formerly Invitae), Labcorp); PubMed 26937392 (cited by Labcorp Genetics (formerly Invitae), Labcorp).

NM_000784.4(CYP27A1):c.586_587del (p.Ser196fs)

Gene: CYP27A1 (cytochrome P450 family 27 subfamily A member 1; plus strand). Cytogenetic location: 2q35.
Variant type: Microsatellite.
Coding change: c.586_587del on transcript NM_000784.4 (MANE Select); coding-DNA positions 586 to 587, 2 bases deleted (AG; older notation c.586_587delAG).
Protein change: p.Ser196fs; shifts the reading frame from serine 196.
Molecular consequence: frameshift variant.
Genome position (GRCh38, 1-based): chr2:218,812,361-218,812,362, AG deleted; deleting any 2 consecutive bases within chr2:218,812,357-218,812,362 gives the same sequence; the c. name uses the placement nearest the transcript's 3' end. VCF-style (leftmost placement, unchanged base first): chr2-218812356-CAG-C. GRCh37 (hg19) VCF-style: chr2-219677079-CAG-C.
Other names: short protein forms S196fs.
Identifiers: ClinVar variation 632347 (VCV000632347.17), dbSNP rs758739930, ClinGen allele CA2112657.